The following is an entry in ClinVar:

ClinVar aggregate classification (germline): Pathogenic (0 of 4 stars; one submission).

Conditions:
Intellectual developmental disorder, autosomal dominant 56. Also called: MENTAL RETARDATION, AUTOSOMAL DOMINANT 56; Intellectual disability, autosomal dominant 56. Identifiers: MedGen C4693389, MONDO:0030922, OMIM 617854.

Submission:

Precision Medical Center, Maternal and Child Health Hospital of Hubei Province
Classification: Pathogenic for Intellectual developmental disorder, autosomal dominant 56. Review status: no assertion criteria provided. Collection method: clinical testing. Allele origin: de novo. Inheritance: Autosomal dominant inheritance. Affected: yes. Observed: 1 variant allele, 1 heterozygote.
Comment: PVS1+PS2_Supporting+PM2

NM_004859.4(CLTC):c.3249+1G>C

Gene: CLTC (clathrin heavy chain; plus strand). Cytogenetic location: 17q23.1.
Variant type: single nucleotide variant.
Coding change: c.3249+1G>C on transcript NM_004859.4 (MANE Select); the canonical splice donor site of the intron after coding-DNA position 3249, G replaced by C.
Molecular consequence: splice donor variant.
Genome position (GRCh38, 1-based): chr17:59,681,479, G>C. VCF-style: chr17-59681479-G-C. GRCh37 (hg19) VCF-style: chr17-57758840-G-C.
Other names: c.3261+1G>C (NM_001288653.2).
Identifiers: ClinVar variation 2626759 (VCV002626759.1), dbSNP rs2509151066, ClinGen allele CA400417350.